The following is an entry in ClinVar:

ClinVar aggregate classification (germline): Likely benign (1 of 4 stars; one submission).

Conditions:
RIMS1-related disorder. Also called: RIMS1-related condition.

gnomAD v4.1: 1 of 1,613,538 alleles (0.000062%); highest among the groups gnomAD compares: African/African-American, 0.0013%; no homozygotes.

Submission:

PreventionGenetics, part of Exact Sciences
Classification: Likely benign for RIMS1-related condition. Last evaluated: 2026-05-08. Review status: criteria provided, single submitter. Criteria: ACMG Guidelines, 2015. Collection method: clinical testing. Allele origin: germline.
Comment: This variant is classified as likely benign based on ACMG/AMP sequence variant interpretation guidelines (Richards et al. 2015 PMID: 25741868, with internal and published modifications).

NM_014989.7(RIMS1):c.72C>T (p.Asp24=)

Gene: RIMS1 (regulating synaptic membrane exocytosis 1; plus strand). Cytogenetic location: 6q13.
Variant type: single nucleotide variant.
Coding change: c.72C>T on transcript NM_014989.7 (MANE Select); coding-DNA position 72, C replaced by T.
Protein change: p.Asp24=; no amino-acid change (aspartic acid 24 retained).
Molecular consequence: synonymous variant.
Genome position (GRCh38, 1-based): chr6:71,887,095, C>T. VCF-style: chr6-71887095-C-T. GRCh37 (hg19) VCF-style: chr6-72596798-C-T.
Other names: c.72C>T, p.Asp24= (NM_001350411.1, NM_001350412.1, NM_001350413.1).
Identifiers: ClinVar variation 4991569 (VCV004991569.1).
Genomic context (GRCh38, chr6:71,887,095, plus strand): 5'-CGTGGGGCCCCGCGGTCCTCGCCCACCCACGGTGCCTCCCCCCATGCAAGAGCTGCCCGA[C>T]CTGAGCCACCTGACCGAAGAGGAGAGGAACATTATCATGGCAGTGATGGACCGGCAGAAG-3'
Protein context (NP_055804.2, residues 14-34): TVPPPMQELP[Asp24=]LSHLTEEERN